The following is an entry in ClinVar:

NM_000255.4(MMUT):c.1361G>A (p.Gly454Glu)

Gene: MMUT (methylmalonyl-CoA mutase; minus strand). Cytogenetic location: 6p12.3.
Variant type: single nucleotide variant.
Coding change: c.1361G>A on transcript NM_000255.4 (MANE Select); coding-DNA position 1361, G replaced by A.
Protein change: p.Gly454Glu; replaces glycine 454 with glutamic acid.
Molecular consequence: missense variant.
Genome position (GRCh38, 1-based): chr6:49,448,899, C>T on the plus strand (G>A on the coding strand, the complement: MMUT is on the minus strand). VCF-style: chr6-49448899-C-T. GRCh37 (hg19) VCF-style: chr6-49416612-C-T.
Other names: short protein forms G454E.
Identifiers: ClinVar variation 4817996 (VCV004817996.1).

ClinVar aggregate classification (germline): Likely pathogenic (1 of 4 stars; one submission).

Conditions:
Methylmalonic aciduria due to complete methylmalonyl-CoA mutase deficiency.

Submission:

Natera, Inc.
Classification: Likely pathogenic for Methylmalonic aciduria due to complete methylmalonyl-CoA mutase deficiency. Last evaluated: 2025-02-11. Review status: criteria provided, single submitter. Criteria: Natera Variant Classification Schema (03/2026). Collection method: clinical testing. Allele origin: germline.
Comment: The c.1361G>A variant in MMUT is a missense variant predicted to cause substitution of glycine to glutamic acid at amino acid 454. This variant is rare in the general population with a frequency below the threshold expected for the associated phenotype(s). This variant has been observed in one or more individuals affected with the associated recessive disease, as either homozygous or compound heterozygous with a second variant (PMID: 33453710). This variant has been identified in one or more affected individuals with a phenotype highly consistent with the associated gene (PMID: 33453710). Computational prediction algorithms indicate this variant is likely to affect gene or protein function. Given the available evidence, this variant is classified as Likely Pathogenic.

Literature cited by the submitters: PubMed 33453710.